The following is an entry in ClinVar:

NM_000744.7(CHRNA4):c.29_40dup (p.Pro13_Pro14insArgLeuLeuPro)

Genes: CHRNA4 (cholinergic receptor nicotinic alpha 4 subunit; minus strand), LOC100130587 (uncharacterized LOC100130587; plus strand). Cytogenetic location: 20q13.33.
Variant type: Duplication.
Coding change: c.29_40dup on transcript NM_000744.7 (MANE Select); coding-DNA positions 29 to 40, 12 bases duplicated (GGCTGCTGCCGC).
Protein change: p.Pro13_Pro14insArgLeuLeuPro.
Molecular consequence: inframe insertion. On other transcripts: non-coding transcript variant (1), intron variant (1).
Genome position (GRCh38, 1-based): chr20:63,361,126-63,361,137, GCGGCAGCAGCC duplicated on the plus strand (GGCTGCTGCCGC on the coding strand, the reverse complement: CHRNA4 is on the minus strand); duplicating any 12 consecutive bases within chr20:63,361,126-63,361,142 gives the same sequence; the c. name uses the placement nearest the transcript's 3' end. VCF-style (leftmost placement, unchanged base first): chr20-63361125-G-GGCGGCAGCAGCC. GRCh37 (hg19) VCF-style: chr20-61992477-G-GGCGGCAGCAGCC.
Other names: c.-471+40_-471+51dup (NM_001256573.2).
Identifiers: ClinVar variation 2004076 (VCV002004076.4), dbSNP rs2516580091, ClinGen allele CA2580098381.

ClinVar aggregate classification (germline): Uncertain significance (1 of 4 stars; one submission).

Conditions:
Familial sleep-related hypermotor epilepsy. Also called: Autosomal Dominant Sleep-Related Hypermotor (Hyperkinetic) Epilepsy. Identifiers: Orphanet 98784, MedGen C3696898, MONDO:0000030.

Submission:

Labcorp Genetics (formerly Invitae), Labcorp
Classification: Uncertain significance. Last evaluated: 2024-04-08. Review status: criteria provided, single submitter. Criteria: Invitae Variant Classification Sherloc (09022015). Collection method: clinical testing. Allele origin: germline.
Comment: This variant, c.29_40dup, results in the insertion of 4 amino acid(s) of the CHRNA4 protein (p.Arg10_Pro13dup), but otherwise preserves the integrity of the reading frame. This variant is not present in population databases (gnomAD no frequency). This variant has not been reported in the literature in individuals affected with CHRNA4-related conditions. ClinVar contains an entry for this variant (Variation ID: 2004076). In summary, the available evidence is currently insufficient to determine the role of this variant in disease. Therefore, it has been classified as a Variant of Uncertain Significance.